The following is an entry in ClinVar:

NC_000016.9:g.(?_78133676)_(78420865_?)dup

Gene: WWOX (WW domain containing oxidoreductase; plus strand). Cytogenetic location: 16q23.1.
Variant type: Duplication.
Identifiers: ClinVar variation 2426302 (VCV002426302.5).

ClinVar aggregate classification (germline): Uncertain significance (1 of 4 stars; one submission).

Conditions:
Autosomal recessive spinocerebellar ataxia 12. Also called: SPINOCEREBELLAR ATAXIA WITH MENTAL RETARDATION AND EPILEPSY. Identifiers: Orphanet 284282, MedGen C3280452, MONDO:0013687, OMIM 614322.
Developmental and epileptic encephalopathy, 1 (DEE1). Also called: Epileptic encephalopathy, early infantile, 1; INFANTILE SPASM SYNDROME, X-LINKED 1; X-linked infantile spasms; West's syndrome; Tonic spasms with clustering, arrest of psychomotor development and hypsarrhythmia on EEG; X-Linked Infantile Spasm Syndrome. Identifiers: MedGen C3463992, MONDO:0010632, OMIM 308350. Disease mechanism: loss of function.

Submission:

Labcorp Genetics (formerly Invitae), Labcorp
Classification: Uncertain significance for Developmental and epileptic encephalopathy, 1; Autosomal recessive spinocerebellar ataxia 12. Last evaluated: 2022-06-22. Review status: criteria provided, single submitter. Criteria: Invitae Variant Classification Sherloc (09022015). Collection method: clinical testing. Allele origin: germline.
Comment: This variant results in a copy number gain of the genomic region encompassing exon(s) 1-6 of the WWOX gene. This region includes the initiator codon of the gene. This copy number gain extends beyond the assayed region for this gene and therefore may encompass additional genes. As the precise location of this event is unknown, it may be in tandem or it may be located elsewhere in the genome. This variant has not been reported in the literature in individuals affected with WWOX-related conditions. In summary, the available evidence is currently insufficient to determine the role of this variant in disease. Therefore, it has been classified as a Variant of Uncertain Significance.